The following is an entry in ClinVar:

ClinVar aggregate classification (germline): Pathogenic (1 of 4 stars; one submission).

Submission:

Labcorp Genetics (formerly Invitae), Labcorp
Classification: Pathogenic. Last evaluated: 2022-10-13. Review status: criteria provided, single submitter. Criteria: Invitae Variant Classification Sherloc (09022015). Collection method: clinical testing. Allele origin: germline.
Comment: For these reasons, this variant has been classified as Pathogenic. This sequence change creates a premature translational stop signal (p.Leu877Phefs*45) in the MPDZ gene. It is expected to result in an absent or disrupted protein product. Loss-of-function variants in MPDZ are known to be pathogenic (PMID: 23240096, 28556411). This variant is not present in population databases (gnomAD no frequency). This variant has not been reported in the literature in individuals affected with MPDZ-related conditions.

Literature cited by the submitters: PubMed 23240096; PubMed 28556411.

NM_001378778.1(MPDZ):c.2629del (p.Leu877fs)

Gene: MPDZ (multiple PDZ domain crumbs cell polarity complex component; minus strand). Cytogenetic location: 9p23.
Variant type: Deletion.
Coding change: c.2629del on transcript NM_001378778.1 (MANE Select); coding-DNA position 2629, one base deleted (C; older notation c.2629delC).
Protein change: p.Leu877fs; shifts the reading frame from leucine 877.
Molecular consequence: frameshift variant.
Genome position (GRCh38, 1-based): chr9:13,183,438, G deleted on the plus strand (C on the coding strand, the reverse complement: MPDZ is on the minus strand); the first of 3 consecutive G bases (chr9:13,183,438-13,183,440); deleting any one gives the same sequence. VCF-style (leftmost placement, unchanged base first): chr9-13183437-AG-A. GRCh37 (hg19) VCF-style: chr9-13183436-AG-A.
Other names: c.2629del, p.Leu877fs (NM_001261406.2, NM_001261407.2, NM_001330637.2 and 14 more transcripts); short protein forms L877fs.
Identifiers: ClinVar variation 2029103 (VCV002029103.4), dbSNP rs2493637951, ClinGen allele CA2580079220.